The following is an entry in ClinVar:

NM_000071.3(CBS):c.184dup (p.Glu62fs)

Gene: CBS (cystathionine beta-synthase; minus strand). Cytogenetic location: 21q22.3.
Variant type: Duplication.
Coding change: c.184dup on transcript NM_000071.3 (MANE Select); coding-DNA position 184, one base duplicated (G; older notation c.184dupG).
Protein change: p.Glu62fs; shifts the reading frame from glutamic acid 62.
Molecular consequence: frameshift variant.
Genome position (GRCh38, 1-based): chr21:43,072,010, C duplicated on the plus strand (G on the coding strand, the reverse complement: CBS is on the minus strand). VCF-style (leftmost placement, unchanged base first): chr21-43072009-T-TC. GRCh37 (hg19) VCF-style: chr21-44492119-T-TC.
Other names: c.184dup, p.Glu62fs (NM_001178008.3, NM_001178009.3, NM_001320298.2); short protein forms E62fs.
Identifiers: ClinVar variation 1458301 (VCV001458301.6), dbSNP rs2146427417, ClinGen allele CA2573157513.

ClinVar aggregate classification (germline): Pathogenic (1 of 4 stars; one submission).

Conditions:
HYPERHOMOCYSTEINEMIA, THROMBOTIC, CBS-RELATED. Identifiers: MedGen C3150344, OMIM 236200.

Submission:

Labcorp Genetics (formerly Invitae), Labcorp
Classification: Pathogenic for HYPERHOMOCYSTEINEMIA, THROMBOTIC, CBS-RELATED. Last evaluated: 2021-06-18. Review status: criteria provided, single submitter. Criteria: Invitae Variant Classification Sherloc (09022015). Collection method: clinical testing. Allele origin: germline.
Comment: This variant has not been reported in the literature in individuals affected with CBS-related conditions. This sequence change creates a premature translational stop signal (p.Glu62Glyfs*43) in the CBS gene. It is expected to result in an absent or disrupted protein product. Loss-of-function variants in CBS are known to be pathogenic (PMID: 10338090, 12124992). This variant is not present in population databases (ExAC no frequency). For these reasons, this variant has been classified as Pathogenic.

Literature cited by the submitters: PubMed 10338090; PubMed 12124992.